The following is an entry in ClinVar:

ClinVar aggregate classification (germline): Likely benign. Review status: criteria provided, multiple submitters, no conflicts (2 of 4 stars). 2 submissions from 2 submitters: Likely benign (2). Last evaluated 2026-07-01.

Conditions:
Encephalopathy, acute, infection-induced (herpes-specific), susceptibility to, 1. Also called: Herpes simplex encephalitis, susceptibility to, 1. Identifiers: Orphanet 1930, MedGen C2750180, MONDO:0024563, OMIM 610551.

Allele frequency attached by ClinVar (database versions not stated): gnomAD exomes 0.00005 and 0.00004; gnomAD 0.00003; 1000 Genomes Project 30x 0.00031; TOPMed 0.00008.
gnomAD v4.1: 80 of 1,550,404 alleles (0.0052%); highest among the groups gnomAD compares: Non-Finnish European, 0.0064%; no homozygotes.

Submissions (2):

CeGaT Center for Human Genetics Tuebingen
Classification: Likely benign. Last evaluated: 2026-07-01. Review status: criteria provided, single submitter. Criteria: CeGaT Center For Human Genetics Tuebingen Variant Classification Criteria Version 2. Collection method: clinical testing. Allele origin: germline. Affected: yes. Observed: 1 variant allele.
Comment: UNC93B1: BP4, BP7

Labcorp Genetics (formerly Invitae), Labcorp
Classification: Likely benign for Encephalopathy, acute, infection-induced (herpes-specific), susceptibility to, 1. Last evaluated: 2025-06-06. Review status: criteria provided, single submitter. Criteria: Invitae Variant Classification Sherloc (09022015). Collection method: clinical testing. Allele origin: germline.

NM_030930.4(UNC93B1):c.1071C>T (p.Ala357=)

Gene: UNC93B1 (unc-93B1 regulator of TLR signaling; minus strand). Cytogenetic location: 11q13.2.
Variant type: single nucleotide variant.
Coding change: c.1071C>T on transcript NM_030930.4 (MANE Select); coding-DNA position 1071, C replaced by T.
Protein change: p.Ala357=; no amino-acid change (alanine 357 retained).
Molecular consequence: synonymous variant.
Genome position (GRCh38, 1-based): chr11:67,996,620, G>A on the plus strand (C>T on the coding strand, the complement: UNC93B1 is on the minus strand). VCF-style: chr11-67996620-G-A. GRCh37 (hg19) VCF-style: chr11-67764091-G-A.
Identifiers: ClinVar variation 537931 (VCV000537931.11), dbSNP rs796106217, ClinGen allele CA224212960.